The following is an entry in ClinVar:

ClinVar aggregate classification (germline): Uncertain significance (1 of 4 stars; one submission).

Conditions:
Autosomal dominant limb-girdle muscular dystrophy type 1F (LGMDD2). Also called: Limb-girdle muscular dystrophy, type 1F; MUSCULAR DYSTROPHY, LIMB-GIRDLE, AUTOSOMAL DOMINANT 2. Identifiers: Orphanet 55595, MedGen C1842062, MONDO:0012034, OMIM 608423.

Allele frequency attached by ClinVar (database versions not stated): gnomAD exomes below 0.00001; TOPMed below 0.00001.
gnomAD v4.1: 1 of 1,613,730 alleles (0.000062%); highest among the groups gnomAD compares: African/African-American, 0.0013%; no homozygotes.

Submission:

Labcorp Genetics (formerly Invitae), Labcorp
Classification: Uncertain significance for Autosomal dominant limb-girdle muscular dystrophy type 1F. Last evaluated: 2023-02-08. Review status: criteria provided, single submitter. Criteria: Invitae Variant Classification Sherloc (09022015). Collection method: clinical testing. Allele origin: germline.
Comment: In summary, the available evidence is currently insufficient to determine the role of this variant in disease. Therefore, it has been classified as a Variant of Uncertain Significance. Advanced modeling of protein sequence and biophysical properties (such as structural, functional, and spatial information, amino acid conservation, physicochemical variation, residue mobility, and thermodynamic stability) performed at Invitae indicates that this missense variant is not expected to disrupt TNPO3 protein function. This variant has not been reported in the literature in individuals affected with TNPO3-related conditions. This variant is present in population databases (no rsID available, gnomAD 0.007%). This sequence change replaces alanine, which is neutral and non-polar, with serine, which is neutral and polar, at codon 245 of the TNPO3 protein (p.Ala245Ser).

NM_012470.4(TNPO3):c.733G>T (p.Ala245Ser)

Gene: TNPO3 (transportin 3; minus strand). Cytogenetic location: 7q32.1.
Variant type: single nucleotide variant.
Coding change: c.733G>T on transcript NM_012470.4 (MANE Select); coding-DNA position 733, G replaced by T.
Protein change: p.Ala245Ser; replaces alanine 245 with serine.
Molecular consequence: missense variant. On other transcripts: non-coding transcript variant (18).
Genome position (GRCh38, 1-based): chr7:129,001,198, C>A on the plus strand (G>T on the coding strand, the complement: TNPO3 is on the minus strand). VCF-style: chr7-129001198-C-A. GRCh37 (hg19) VCF-style: chr7-128641252-C-A.
Other names: c.733G>T, p.Ala245Ser (NM_001191028.3, NM_001382216.1, NM_001382218.1 and 4 more transcripts); c.814G>T, p.Ala272Ser (NM_001382217.1); c.589G>T, p.Ala197Ser (NM_001382221.1); short protein forms A197S, A245S, A272S.
Identifiers: ClinVar variation 2049149 (VCV002049149.4), dbSNP rs1016774766, ClinGen allele CA166220962.
Genomic context (GRCh38, chr7:129,001,198, plus strand): 5'-ATGGCAAGTTAGTCTCCACATTCTCAATGGCATAGAGAGCTGAGCATACACAGTCCGAAG[C>A]AGCTTCATGTAGGTTAGACGAGGTCTTATCCTGTTGCTGGGGAGGTAGCAGGAATAGGGA-3'
Protein context (NP_036602.1, residues 235-255): DKTSSNLHEA[Ala245Ser]SDCVCSALYA